The following is an entry in ClinVar:

ClinVar aggregate classification (germline): Likely pathogenic (1 of 4 stars; one submission).

Conditions:
Congenital hyperammonemia, type I. Also called: Carbamoyl phosphate synthetase I deficiency disease; CPS I DEFICIENCY; Carbamoyl phosphate synthetase 1 deficiency; Hyperammonemia due to carbamoyl phosphate synthetase 1 deficiency; CPS 1 deficiency; Carbamyl phosphate synthetase (CPS) deficiency. Identifiers: Orphanet 147, MedGen C4082171, MONDO:0009376, OMIM 237300.

Submission:

Natera, Inc.
Classification: Likely pathogenic for Carbamoyl-phosphate synthase I deficiency. Last evaluated: 2024-09-10. Review status: criteria provided, single submitter. Criteria: Natera Variant Classification Schema (03/2026). Collection method: clinical testing. Allele origin: germline.
Comment: The c.2567_2568+35del variant in CPS1 is a frameshift variant predicted to shift the reading frame and introduce a stop codon. This variant is expected to result in nonsense mediated decay, truncation, or a dysfunctional protein product. This variant is rare in the general population with a frequency below the threshold expected for the associated phenotype(s). Given the available evidence, this variant is classified as Likely Pathogenic.

NM_001875.5(CPS1):c.2567_2568+35del

Gene: CPS1 (carbamoyl-phosphate synthase 1; plus strand). Cytogenetic location: 2q34.
Variant type: Deletion.
Coding change: c.2567_2568+35del on transcript NM_001875.5 (MANE Select); coding-DNA position 2567 through 35 bases into the intron after coding-DNA position 2568, 37 bases deleted.
Molecular consequence: splice donor variant.
Genome position (GRCh38, 1-based): chr2:210,612,292-210,612,328, 37 bases deleted. GRCh37 (hg19): chr2:211,477,016-211,477,052.
Other names: c.2567_2568+35del (NM_001369257.1, NM_001122633.3); c.2600_2601+35del (NM_001369256.1).
Identifiers: ClinVar variation 4814958 (VCV004814958.1).